The following is an entry in ClinVar:

ClinVar aggregate classification (germline): Uncertain significance. Review status: criteria provided, multiple submitters, no conflicts (2 of 4 stars). 5 submissions from 5 submitters: Uncertain significance (3). 2 of the submissions do not count toward it. Last evaluated 2024-11-15.

Conditions:
Bardet-Biedl syndrome (BBS). Identifiers: Orphanet 110, MedGen C0752166, MONDO:0015229.
Bardet-Biedl syndrome 2 (BBS2). Identifiers: Orphanet 110, MedGen C2936863, MONDO:0014432, OMIM 615981.
Retinitis pigmentosa 74 (RP74). Identifiers: Orphanet 791, MedGen C4225281, MONDO:0014692, OMIM 616562.
BBS2-related disorder. Also called: BBS2-related condition; BBS2-related disorders. Identifiers: MedGen CN239228.

Allele frequency attached by ClinVar (database versions not stated): TOPMed 0.00006; ESP Exome Variant Server 0.00008.
gnomAD v4.1: 89 of 1,614,014 alleles (0.0055%); highest among the groups gnomAD compares: Admixed American, 0.058%; no homozygotes.

Submissions (5):

Blueprint Genetics
Classification: Uncertain significance. Last evaluated: 2024-11-15. Review status: criteria provided, single submitter. Criteria: ACMG Guidelines, 2015. Collection method: clinical testing. Allele origin: germline.

Fulgent Genetics
Classification: Uncertain significance for Bardet-Biedl syndrome 2; Retinitis pigmentosa 74. Last evaluated: 2024-01-05. Review status: criteria provided, single submitter. Criteria: ACMG Guidelines, 2015. Collection method: clinical testing. Allele origin: germline.

Labcorp Genetics (formerly Invitae), Labcorp
Classification: Uncertain significance for Bardet-Biedl syndrome. Last evaluated: 2022-08-23. Review status: criteria provided, single submitter. Criteria: Invitae Variant Classification Sherloc (09022015). Collection method: clinical testing. Allele origin: germline.
Comment: This sequence change replaces alanine, which is neutral and non-polar, with valine, which is neutral and non-polar, at codon 485 of the BBS2 protein (p.Ala485Val). This variant is present in population databases (rs376115616, gnomAD 0.05%). This variant has not been reported in the literature in individuals affected with BBS2-related conditions. ClinVar contains an entry for this variant (Variation ID: 862248). Algorithms developed to predict the effect of missense changes on protein structure and function output the following: SIFT: "Tolerated"; PolyPhen-2: "Benign"; Align-GVGD: "Class C0". The valine amino acid residue is found in multiple mammalian species, which suggests that this missense change does not adversely affect protein function. In summary, the available evidence is currently insufficient to determine the role of this variant in disease. Therefore, it has been classified as a Variant of Uncertain Significance.

PreventionGenetics, part of Exact Sciences
Classification: Uncertain significance for BBS2-related condition. Last evaluated: 2024-05-28. Review status: no assertion criteria provided. Collection method: clinical testing. Allele origin: germline. Not counted in ClinVar's aggregate classification.
Comment: The BBS2 c.1454C>T variant is predicted to result in the amino acid substitution p.Ala485Val. To our knowledge, this variant has not been reported in the literature. This variant is reported in 0.054% of alleles in individuals of Latino descent in gnomAD, which may be too frequent to be a primary cause of disease. Although we suspect that this variant may be benign, at this time, the clinical significance of this variant is uncertain due to the absence of conclusive functional and genetic evidence.

Natera, Inc.
Classification: Uncertain significance for Bardet-Biedl syndrome type 2. Last evaluated: 2020-01-31. Review status: no assertion criteria provided. Collection method: clinical testing. Allele origin: germline. Not counted in ClinVar's aggregate classification.

NM_031885.5(BBS2):c.1454C>T (p.Ala485Val)

Gene: BBS2 (Bardet-Biedl syndrome 2; minus strand). Cytogenetic location: 16q13.
Variant type: single nucleotide variant.
Coding change: c.1454C>T on transcript NM_031885.5 (MANE Select); coding-DNA position 1454, C replaced by T.
Protein change: p.Ala485Val; replaces alanine 485 with valine.
Molecular consequence: missense variant. On other transcripts: non-coding transcript variant (5).
Genome position (GRCh38, 1-based): chr16:56,499,851, G>A on the plus strand (C>T on the coding strand, the complement: BBS2 is on the minus strand). VCF-style: chr16-56499851-G-A. GRCh37 (hg19) VCF-style: chr16-56533763-G-A.
Other names: c.1454C>T, p.Ala485Val (NM_001377456.1); short protein forms A485V.
Identifiers: ClinVar variation 862248 (VCV000862248.9), dbSNP rs376115616, ClinGen allele CA8065733.